The following is an entry in ClinVar:

NM_001035.3(RYR2):c.13441T>G (p.Trp4481Gly)

Gene: RYR2 (ryanodine receptor 2; plus strand). Cytogenetic location: 1q43.
Variant type: single nucleotide variant.
Coding change: c.13441T>G on transcript NM_001035.3 (MANE Select); coding-DNA position 13441, T replaced by G.
Protein change: p.Trp4481Gly; replaces tryptophan 4481 with glycine.
Molecular consequence: missense variant.
Genome position (GRCh38, 1-based): chr1:237,788,100, T>G. VCF-style: chr1-237788100-T-G. GRCh37 (hg19) VCF-style: chr1-237951400-T-G.
Other names: short protein forms W4481G.
Identifiers: ClinVar variation 4755920 (VCV004755920.1).
Genomic context (GRCh38, chr1:237,788,100, plus strand): 5'-AAGTTGAGGCAGCTTCACACACACAGATACGGAGAACCAGAAGTGCCAGAGTCAGCATTC[T>G]GGAAGAAAATCATAGCATATCAACAGAAACTTCTAGTAAGATGTTTTAGAATGAATATTG-3'
Protein context (NP_001026.2, residues 4471-4491): GEPEVPESAF[Trp4481Gly]KKIIAYQQKL

ClinVar aggregate classification (germline): Uncertain significance (1 of 4 stars; one submission).

Submission:

GeneDx
Classification: Uncertain significance. Last evaluated: 2025-08-08. Review status: criteria provided, single submitter. Criteria: GeneDx Variant Classification Process June 2021. Collection method: clinical testing. Allele origin: germline. Affected: yes.
Comment: Not observed at significant frequency in large population cohorts (gnomAD); In silico analysis supports that this missense variant has a deleterious effect on protein structure/function; Has not been previously published as pathogenic or benign to our knowledge; Located in one of the three hot-spot regions of the RYR2 gene, where the majority of pathogenic missense variants occur (PMID: 19926015); This variant is associated with the following publications: (PMID: 19926015)